The following is an entry in ClinVar:

NM_000823.4(GHRHR):c.200C>T (p.Thr67Met)

Gene: GHRHR (growth hormone releasing hormone receptor; plus strand). Cytogenetic location: 7p14.3.
Variant type: single nucleotide variant.
Coding change: c.200C>T on transcript NM_000823.4 (MANE Select); coding-DNA position 200, C replaced by T.
Protein change: p.Thr67Met; replaces threonine 67 with methionine.
Molecular consequence: missense variant.
Genome position (GRCh38, 1-based): chr7:30,969,102, C>T. VCF-style: chr7-30969102-C-T. GRCh37 (hg19) VCF-style: chr7-31008717-C-T.
Other names: short protein forms T67M.
Identifiers: ClinVar variation 909045 (VCV000909045.8), dbSNP rs201893637, ClinGen allele CA4208428.

ClinVar aggregate classification (germline): Conflicting classifications of pathogenicity. Review status: criteria provided, conflicting classifications (1 of 4 stars). 3 submissions from 3 submitters: Uncertain significance (2); Likely benign (1). Last evaluated 2025-04-06.

Conditions:
Inborn genetic diseases. Identifiers: MedGen C0950123, MeSH D030342.
Isolated growth hormone deficiency type IB (IGHD1B). Also called: IGHD 1B; IGHD IB. Identifiers: Orphanet 231671, Orphanet 631, MedGen C2748571, MONDO:0013006, OMIM 612781.

Allele frequency attached by ClinVar (database versions not stated): TOPMed 0.00005; gnomAD 0.00007 and 0.00006; 1000 Genomes Project 30x 0.00016; 1000 Genomes Project 0.00020; ExAC 0.00031; gnomAD exomes 0.00008.
gnomAD v4.1: 104 of 1,581,604 alleles (0.0066%); highest among the groups gnomAD compares: Non-Finnish European, 0.0084%; no homozygotes.

Submissions (3):

Ambry Genetics
Classification: Likely benign for Inborn genetic diseases. Last evaluated: 2025-04-06. Review status: criteria provided, single submitter. Criteria: Ambry Variant Classification Scheme 2023. Collection method: clinical testing. Allele origin: germline.

Labcorp Genetics (formerly Invitae), Labcorp
Classification: Uncertain significance. Last evaluated: 2023-07-27. Review status: criteria provided, single submitter. Criteria: Invitae Variant Classification Sherloc (09022015). Collection method: clinical testing. Allele origin: germline.
Comment: Algorithms developed to predict the effect of missense changes on protein structure and function output the following: SIFT: "Not Available"; PolyPhen-2: "Benign"; Align-GVGD: "Not Available". The methionine amino acid residue is found in multiple mammalian species, which suggests that this missense change does not adversely affect protein function. In summary, the available evidence is currently insufficient to determine the role of this variant in disease. Therefore, it has been classified as a Variant of Uncertain Significance. ClinVar contains an entry for this variant (Variation ID: 909045). This variant has not been reported in the literature in individuals affected with GHRHR-related conditions. This variant is present in population databases (rs201893637, gnomAD 0.02%). This sequence change replaces threonine, which is neutral and polar, with methionine, which is neutral and non-polar, at codon 67 of the GHRHR protein (p.Thr67Met).

Illumina Laboratory Services, Illumina
Classification: Uncertain significance for Isolated growth hormone deficiency type IB. Last evaluated: 2018-03-23. Review status: criteria provided, single submitter. Criteria: ICSL Variant Classification Criteria 13 December 2019. Collection method: clinical testing. Allele origin: germline.